The following is an entry in ClinVar:

NM_018026.4(PACS1):c.1182G>A (p.Thr394=)

Gene: PACS1 (phosphofurin acidic cluster sorting protein 1; plus strand). Cytogenetic location: 11q13.2.
Variant type: single nucleotide variant.
Coding change: c.1182G>A on transcript NM_018026.4 (MANE Select); coding-DNA position 1182, G replaced by A.
Protein change: p.Thr394=; no amino-acid change (threonine 394 retained).
Molecular consequence: synonymous variant.
Genome position (GRCh38, 1-based): chr11:66,220,774, G>A. VCF-style: chr11-66220774-G-A. GRCh37 (hg19) VCF-style: chr11-65988245-G-A.
Other names: c.1182G>A (NM_018026.3).
Identifiers: ClinVar variation 1176907 (VCV001176907.44), dbSNP rs765439755, ClinGen allele CA6116486.

ClinVar aggregate classification (germline): Benign/Likely benign. Review status: criteria provided, multiple submitters, no conflicts (2 of 4 stars). 5 submissions from 5 submitters: Benign (1); Likely benign (4). Last evaluated 2026-01-24.

Conditions:
Schuurs-Hoeijmakers syndrome. Also called: PACS1-Related Neurodevelopmental Disorder. Identifiers: Orphanet 329224, MedGen C3554343, MONDO:0014006, OMIM 615009.
Inborn genetic diseases. Identifiers: MedGen C0950123, MeSH D030342.
PACS1-related disorder. Also called: PACS1-related condition.

Allele frequency attached by ClinVar (database versions not stated): gnomAD 0.00002; ExAC 0.00003; gnomAD exomes 0.00003 and 0.00004; TOPMed 0.00008.
gnomAD v4.1: 65 of 1,613,666 alleles (0.004%); highest among the groups gnomAD compares: Non-Finnish European, 0.0052%; no homozygotes.

Submissions (5):

Labcorp Genetics (formerly Invitae), Labcorp
Classification: Likely benign for Schuurs-Hoeijmakers syndrome. Last evaluated: 2026-01-24. Review status: criteria provided, single submitter. Criteria: Invitae Variant Classification Sherloc (09022015). Collection method: clinical testing. Allele origin: germline.

CeGaT Center for Human Genetics Tuebingen
Classification: Likely benign. Last evaluated: 2025-07-01. Review status: criteria provided, single submitter. Criteria: CeGaT Center For Human Genetics Tuebingen Variant Classification Criteria Version 2. Collection method: clinical testing. Allele origin: germline. Affected: yes. Observed: 5 variant alleles.
Comment: PACS1: BP4, BP7

PreventionGenetics, part of Exact Sciences
Classification: Likely benign for PACS1-related condition. Last evaluated: 2025-03-04. Review status: criteria provided, single submitter. Criteria: ACMG Guidelines, 2015. Collection method: clinical testing. Allele origin: germline.
Comment: This variant is classified as likely benign based on ACMG/AMP sequence variant interpretation guidelines (Richards et al. 2015 PMID: 25741868, with internal and published modifications).

Blueprint Genetics
Classification: Likely benign. Last evaluated: 2024-06-27. Review status: criteria provided, single submitter. Criteria: ACMG Guidelines, 2015. Collection method: clinical testing. Allele origin: germline.

Ambry Genetics
Classification: Benign for Inborn genetic diseases. Last evaluated: 2020-06-01. Review status: criteria provided, single submitter. Criteria: Ambry Variant Classification Scheme 2023. Collection method: clinical testing. Allele origin: germline.